The following is an entry in ClinVar:

NM_006612.6(KIF1C):c.1019+18A>G

Gene: KIF1C (kinesin family member 1C; plus strand). Cytogenetic location: 17p13.2.
Variant type: single nucleotide variant.
Coding change: c.1019+18A>G on transcript NM_006612.6 (MANE Select); 18 bases into the intron after coding-DNA position 1019, A replaced by G.
Molecular consequence: intron variant.
Genome position (GRCh38, 1-based): chr17:5,004,663, A>G. VCF-style: chr17-5004663-A-G. GRCh37 (hg19) VCF-style: chr17-4907958-A-G.
Identifiers: ClinVar variation 380915 (VCV000380915.11), dbSNP rs72838331, ClinGen allele CA8318832.
Genomic context (GRCh38, chr17:5,004,663, plus strand): 5'-GCCCTGCTGACATCAATTACGAGGAGACTCTCAGCACCCTCAGGTGAGGCTTTTGGCTCT[A>G]GCAGGGATGGGGCAGCATAGGAAGAGTGCCAGGAGTTCAGAGGCGAGTTGCTCAGGACCC-3'

ClinVar aggregate classification (germline): Benign. Review status: criteria provided, multiple submitters, no conflicts (2 of 4 stars). 3 submissions from 3 submitters: Benign (3). Last evaluated 2026-02-03.

Conditions:
Spastic ataxia 2. Also called: Ataxia, spastic, 2, autosomal recessive. Identifiers: Orphanet 397946, MedGen C1969796, MONDO:0012651, OMIM 611302.

Allele frequency attached by ClinVar (database versions not stated): 1000 Genomes Project 0.04872; TOPMed 0.07047; ESP Exome Variant Server 0.08035; gnomAD 0.08208 and 0.08330; ExAC 0.08585; gnomAD exomes 0.08707 and 0.10374; 1000 Genomes Project 30x 0.04763.
gnomAD v4.1: 163,192 of 1,612,622 alleles (10%); highest among the groups gnomAD compares: Non-Finnish European, 11%; 9,130 homozygotes.

Submissions (3):

Labcorp Genetics (formerly Invitae), Labcorp
Classification: Benign for Spastic ataxia 2. Last evaluated: 2026-02-03. Review status: criteria provided, single submitter. Criteria: Invitae Variant Classification Sherloc (09022015). Collection method: clinical testing. Allele origin: germline.

GeneDx
Classification: Benign. Last evaluated: 2016-03-11. Review status: criteria provided, single submitter. Criteria: GeneDx Variant Classification (06012015). Collection method: clinical testing. Allele origin: germline. Affected: yes.
Comment: This variant is considered likely benign or benign based on one or more of the following criteria: it is a conservative change, it occurs at a poorly conserved position in the protein, it is predicted to be benign by multiple in silico algorithms, and/or has population frequency not consistent with disease.

Breakthrough Genomics
Classification: Benign. Review status: criteria provided, single submitter. Criteria: ACMG Guidelines, 2015. Collection method: not provided. Allele origin: germline. Inheritance: Autosomal recessive inheritance. Affected: yes.